The following is an entry in ClinVar:

ClinVar aggregate classification (germline): Uncertain significance (1 of 4 stars; one submission).

gnomAD v4.1: 1 of 1,611,680 alleles (0.000062%); highest among the groups gnomAD compares: Non-Finnish European, 0.000085%; no homozygotes.

Submission:

GeneDx
Classification: Uncertain significance. Last evaluated: 2022-10-20. Review status: criteria provided, single submitter. Criteria: GeneDx Variant Classification Process June 2021. Collection method: clinical testing. Allele origin: germline. Affected: yes.
Comment: Not observed at significant frequency in large population cohorts (gnomAD); In silico analysis supports that this missense variant does not alter protein structure/function; Has not been previously published as pathogenic or benign to our knowledge

NM_207037.2(TCF12):c.835C>T (p.Pro279Ser)

Gene: TCF12 (transcription factor 12; plus strand). Cytogenetic location: 15q21.3.
Variant type: single nucleotide variant.
Coding change: c.835C>T on transcript NM_207037.2 (MANE Select); coding-DNA position 835, C replaced by T.
Protein change: p.Pro279Ser; replaces proline 279 with serine.
Molecular consequence: missense variant.
Genome position (GRCh38, 1-based): chr15:57,232,721, C>T. VCF-style: chr15-57232721-C-T. GRCh37 (hg19) VCF-style: chr15-57524919-C-T.
Other names: c.325C>T, p.Pro109Ser (NM_001306219.3, NM_207040.2); c.127C>T, p.Pro43Ser (NM_001306220.3); c.835C>T, p.Pro279Ser (NM_001322151.2, NM_001322152.2, NM_001322157.3 and 7 more transcripts); c.178C>T, p.Pro60Ser (NM_001322154.2); c.661C>T, p.Pro221Ser (NM_001322156.2, NM_001322158.2); c.871C>T, p.Pro291Ser (NM_001322164.2); short protein forms P109S, P221S, P279S, P291S, P43S, P60S.
Identifiers: ClinVar variation 2499963 (VCV002499963.1), dbSNP rs2551445150, ClinGen allele CA392592477.
Genomic context (GRCh38, chr15:57,232,721, plus strand): 5'-TGAATATTATTCAGAAAATATATTTAATAGATCATATCTCTTTCCATCTAGAGTTATCCT[C>T]CACACTCAGTTTCACCAACAGACATAAACACGAGTCTTCCACCAATGTCCAGCTTTCATC-3'
Protein context (NP_996920.1, residues 269-289): LHSHDRLSYP[Pro279Ser]HSVSPTDINT